The following is an entry in ClinVar:

NM_001378120.1(MBD5):c.1589G>A (p.Ser530Asn)

Gene: MBD5 (methyl-CpG binding domain protein 5; plus strand). Cytogenetic location: 2q23.1.
Variant type: single nucleotide variant.
Coding change: c.1589G>A on transcript NM_001378120.1 (MANE Select); coding-DNA position 1589, G replaced by A.
Protein change: p.Ser530Asn; replaces serine 530 with asparagine.
Molecular consequence: missense variant.
Genome position (GRCh38, 1-based): chr2:148,469,532, G>A. VCF-style: chr2-148469532-G-A. GRCh37 (hg19) VCF-style: chr2-149227101-G-A.
Other names: c.1589G>A, p.Ser530Asn (NM_018328.5); short protein forms S530N.
Identifiers: ClinVar variation 468771 (VCV000468771.19), dbSNP rs558138423, ClinGen allele CA1900033.

ClinVar aggregate classification (germline): Benign/Likely benign. Review status: criteria provided, multiple submitters, no conflicts (2 of 4 stars). 4 submissions from 4 submitters: Benign (1); Likely benign (2). 1 of the submissions does not count toward it. Last evaluated 2024-10-21.

Conditions:
MBD5-related disorder. Also called: MBD5-related condition.
Inborn genetic diseases. Identifiers: MedGen C0950123, MeSH D030342.
Intellectual developmental disorder, autosomal dominant 1. Also called: MBD5 Haploinsufficiency; Intellectual disability, autosomal dominant 1. Identifiers: Orphanet 228402, MedGen C1969562, MONDO:0007974, OMIM 156200.

Allele frequency attached by ClinVar (database versions not stated): gnomAD below 0.00001 and 0.00007; TOPMed 0.00001; gnomAD exomes 0.00026 and 0.00011; 1000 Genomes Project 0.00060; ExAC 0.00029; 1000 Genomes Project 30x 0.00047.
gnomAD v4.1: 173 of 1,613,770 alleles (0.011%); highest among the groups gnomAD compares: South Asian, 0.18%; 3 homozygotes.

Submissions (4):

Labcorp Genetics (formerly Invitae), Labcorp
Classification: Likely benign for Intellectual developmental disorder, autosomal dominant 1. Last evaluated: 2024-10-21. Review status: criteria provided, single submitter. Criteria: Invitae Variant Classification Sherloc (09022015). Collection method: clinical testing. Allele origin: germline.

GeneDx
Classification: Likely benign. Last evaluated: 2019-10-27. Review status: criteria provided, single submitter. Criteria: GeneDx Variant Classification Process June 2021. Collection method: clinical testing. Allele origin: germline. Affected: yes.

Ambry Genetics
Classification: Benign for Inborn genetic diseases. Last evaluated: 2019-08-01. Review status: criteria provided, single submitter. Criteria: Ambry Variant Classification Scheme 2023. Collection method: clinical testing. Allele origin: germline.

PreventionGenetics, part of Exact Sciences
Classification: Likely benign for MBD5-related condition. Last evaluated: 2023-11-27. Review status: no assertion criteria provided. Collection method: clinical testing. Allele origin: germline. Not counted in ClinVar's aggregate classification.
Comment: This variant is classified as likely benign based on ACMG/AMP sequence variant interpretation guidelines (Richards et al. 2015 PMID: 25741868, with internal and published modifications).